The following is an entry in ClinVar:

ClinVar aggregate classification (germline): Conflicting classifications of pathogenicity. Review status: criteria provided, conflicting classifications (1 of 4 stars). 3 submissions from 3 submitters: Uncertain significance (1); Likely benign (2). Last evaluated 2026-05-13.

Allele frequency attached by ClinVar (database versions not stated): 1000 Genomes Project 0.00020; 1000 Genomes Project 30x 0.00031.
gnomAD v4.1: 30 of 1,611,638 alleles (0.0019%); highest among the groups gnomAD compares: Admixed American, 0.039%; no homozygotes.

Submissions (3):

Women's Health and Genetics/Laboratory Corporation of America, LabCorp
Classification: Likely benign. Last evaluated: 2026-05-13. Review status: criteria provided, single submitter. Criteria: LabCorp Variant Classification Summary - May 2015. Collection method: clinical testing. Allele origin: germline.

Labcorp Genetics (formerly Invitae), Labcorp
Classification: Likely benign. Last evaluated: 2024-01-11. Review status: criteria provided, single submitter. Criteria: Invitae Variant Classification Sherloc (09022015). Collection method: clinical testing. Allele origin: germline.

GeneDx
Classification: Uncertain significance. Last evaluated: 2020-01-07. Review status: criteria provided, single submitter. Criteria: GeneDx Variant Classification Process June 2021. Collection method: clinical testing. Allele origin: germline. Affected: yes.
Comment: Has not been previously published as pathogenic or benign to our knowledge; In-silico analysis, which includes splice predictors and evolutionary conservation, is inconclusive as to whether the variant alters gene splicing. In the absence of RNA/functional studies, the actual effect of this sequence change is unknown

NM_000306.4(POU1F1):c.666-8C>G

Gene: POU1F1 (POU class 1 homeobox 1; minus strand). Cytogenetic location: 3p11.2.
Variant type: single nucleotide variant.
Coding change: c.666-8C>G on transcript NM_000306.4 (MANE Select); 8 bases into the intron before coding-DNA position 666, C replaced by G.
Molecular consequence: intron variant.
Genome position (GRCh38, 1-based): chr3:87,260,112, G>C on the plus strand (C>G on the coding strand, the complement: POU1F1 is on the minus strand). VCF-style: chr3-87260112-G-C. GRCh37 (hg19) VCF-style: chr3-87309262-G-C.
Other names: c.744-8C>G (NM_001122757.3).
Identifiers: ClinVar variation 1310748 (VCV001310748.6), dbSNP rs182127067, ClinGen allele CA2501105.
Genomic context (GRCh38, chr3:87,260,112, plus strand): 5'-AAGGTTTATTCTGTTCTCCAAAGTGTCTCTCCAGAGCATCTTTAGCAGCAATGCTGGCGG[G>C]GGGTGGACATAGGGGGTGAAATTTTGTTGTTTTTAGTGAAGTTTTTGGCAGCTCAAAATT-3'